The following is an entry in ClinVar:

NM_001164665.2(KIAA1549):c.4479G>A (p.Pro1493=)

Gene: KIAA1549 (KIAA1549; minus strand). Cytogenetic location: 7q34.
Variant type: single nucleotide variant.
Coding change: c.4479G>A on transcript NM_001164665.2 (MANE Select); coding-DNA position 4479, G replaced by A.
Protein change: p.Pro1493=; no amino-acid change (proline 1493 retained).
Molecular consequence: synonymous variant.
Genome position (GRCh38, 1-based): chr7:138,871,229, C>T on the plus strand (G>A on the coding strand, the complement: KIAA1549 is on the minus strand). VCF-style: chr7-138871229-C-T. GRCh37 (hg19) VCF-style: chr7-138555975-C-T.
Other names: c.4479G>A, p.Pro1493= (NM_020910.3); c.4479G>A (NM_001164665.1).
Identifiers: ClinVar variation 1142691 (VCV001142691.13), dbSNP rs551844143, ClinGen allele CA4505885.

ClinVar aggregate classification (germline): Likely benign. Review status: criteria provided, multiple submitters, no conflicts (2 of 4 stars). 4 submissions from 4 submitters: Likely benign (3). 1 of the submissions does not count toward it. Last evaluated 2025-11-17.

Conditions:
KIAA1549-related disorder. Also called: KIAA1549-related condition.

Allele frequency attached by ClinVar (database versions not stated): gnomAD 0.00011 and 0.00013; TOPMed 0.00013; ExAC 0.00018; gnomAD exomes 0.00021.
gnomAD v4.1: 206 of 1,613,190 alleles (0.013%); highest among the groups gnomAD compares: Middle Eastern, 0.099%; 1 homozygote.

Submissions (4):

Labcorp Genetics (formerly Invitae), Labcorp
Classification: Likely benign. Last evaluated: 2025-11-17. Review status: criteria provided, single submitter. Criteria: Invitae Variant Classification Sherloc (09022015). Collection method: clinical testing. Allele origin: germline.

Blueprint Genetics
Classification: Likely benign. Last evaluated: 2024-10-18. Review status: criteria provided, single submitter. Criteria: ACMG Guidelines, 2015. Collection method: clinical testing. Allele origin: germline.

Breakthrough Genomics
Classification: Likely benign. Review status: criteria provided, single submitter. Criteria: ACMG Guidelines, 2015. Collection method: not provided. Allele origin: germline. Inheritance: Autosomal recessive inheritance. Affected: yes.

PreventionGenetics, part of Exact Sciences
Classification: Likely benign for KIAA1549-related condition. Last evaluated: 2019-10-30. Review status: no assertion criteria provided. Collection method: clinical testing. Allele origin: germline. Not counted in ClinVar's aggregate classification.
Comment: This variant is classified as likely benign based on ACMG/AMP sequence variant interpretation guidelines (Richards et al. 2015 PMID: 25741868, with internal and published modifications).